The following is an entry in ClinVar:

NM_000535.7(PMS2):c.1526C>T (p.Pro509Leu)

Gene: PMS2 (PMS1 homolog 2, mismatch repair system component; minus strand). Cytogenetic location: 7p22.1.
Variant type: single nucleotide variant.
Coding change: c.1526C>T on transcript NM_000535.7 (MANE Select); coding-DNA position 1526, C replaced by T.
Protein change: p.Pro509Leu; replaces proline 509 with leucine.
Molecular consequence: missense variant. On other transcripts: non-coding transcript variant (1).
Genome position (GRCh38, 1-based): chr7:5,987,239, G>A on the plus strand (C>T on the coding strand, the complement: PMS2 is on the minus strand). VCF-style: chr7-5987239-G-A. GRCh37 (hg19) VCF-style: chr7-6026870-G-A.
Other names: c.1526C>T, p.Pro509Leu (NM_001322014.2); c.1217C>T, p.Pro406Leu (NM_001322015.2); c.1121C>T, p.Pro374Leu (NM_001322003.2, NM_001322004.2, NM_001322005.2 and 1 more transcripts); c.1370C>T, p.Pro457Leu (NM_001322006.2); c.1208C>T, p.Pro403Leu (NM_001322007.2, NM_001322008.2); c.965C>T, p.Pro322Leu (NM_001322010.2); c.593C>T, p.Pro198Leu (NM_001322011.2, NM_001322012.2); c.953C>T, p.Pro318Leu (NM_001322013.2); short protein forms P322L, P374L, P509L, P406L, P457L, P318L, P198L, P403L.
Identifiers: ClinVar variation 1362813 (VCV001362813.6), dbSNP rs63750503, ClinGen allele CA366741666.
Genomic context (GRCh38, chr7:5,987,239, plus strand): 5'-GAGCCCCTGTCCCCTGGGGAGCTGGCCGCATACTCGCTGCTGCAGTGACTGCCCGTGTCT[G>A]GGATGCTGAACCCCTCAGAATCCACGGAAGTGCTGCCGTGCCCCGAGTCCTTCTCCACCT-3'
Protein context (NP_000526.2, residues 499-519): TSVDSEGFSI[Pro509Leu]DTGSHCSSEY

ClinVar aggregate classification (germline): Uncertain significance (1 of 4 stars; one submission).

Conditions:
Hereditary nonpolyposis colorectal neoplasms. Identifiers: MedGen C0009405, MeSH D003123.

Submission:

Labcorp Genetics (formerly Invitae), Labcorp
Classification: Uncertain significance for Hereditary nonpolyposis colorectal neoplasms. Last evaluated: 2021-10-29. Review status: criteria provided, single submitter. Criteria: Invitae Variant Classification Sherloc (09022015). Collection method: clinical testing. Allele origin: germline.
Comment: In summary, the available evidence is currently insufficient to determine the role of this variant in disease. Therefore, it has been classified as a Variant of Uncertain Significance. Advanced modeling of protein sequence and biophysical properties (such as structural, functional, and spatial information, amino acid conservation, physicochemical variation, residue mobility, and thermodynamic stability) performed at Invitae indicates that this missense variant is not expected to disrupt PMS2 protein function. This variant has not been reported in the literature in individuals affected with PMS2-related conditions. This variant is not present in population databases (gnomAD no frequency). This sequence change replaces proline, which is neutral and non-polar, with leucine, which is neutral and non-polar, at codon 509 of the PMS2 protein (p.Pro509Leu).